The following is an entry in ClinVar:

NM_001923.5(DDB1):c.3265A>G (p.Ile1089Val)

Genes: DDB1 (damage specific DNA binding protein 1; minus strand), LOC126861224 (MED14-independent group 3 enhancer GRCh37_chr11:61067594-61068793; plus strand). Cytogenetic location: 11q12.2.
Variant type: single nucleotide variant.
Coding change: c.3265A>G on transcript NM_001923.5 (MANE Select); coding-DNA position 3265, A replaced by G.
Protein change: p.Ile1089Val; replaces isoleucine 1089 with valine.
Molecular consequence: missense variant.
Genome position (GRCh38, 1-based): chr11:61,300,883, T>C on the plus strand (A>G on the coding strand, the complement: DDB1 is on the minus strand). VCF-style: chr11-61300883-T-C. GRCh37 (hg19) VCF-style: chr11-61068355-T-C.
Other names: short protein forms I1089V.
Identifiers: ClinVar variation 3767489 (VCV003767489.1).

ClinVar aggregate classification (germline): Uncertain significance (1 of 4 stars; one submission).

Submission:

GeneDx
Classification: Uncertain significance. Last evaluated: 2024-09-10. Review status: criteria provided, single submitter. Criteria: GeneDx Variant Classification Process June 2021. Collection method: clinical testing. Allele origin: germline. Affected: yes.
Comment: Not observed at significant frequency in large population cohorts (gnomAD); In silico analysis indicates that this missense variant does not alter protein structure/function; Has not been previously published as pathogenic or benign to our knowledge